The following is an entry in ClinVar:

NM_000424.4(KRT5):c.-73T>C

Gene: KRT5 (keratin 5; minus strand). Cytogenetic location: 12q13.13.
Variant type: single nucleotide variant.
Coding change: c.-73T>C on transcript NM_000424.4 (MANE Select); 73 bases upstream of the start codon, T replaced by C.
Molecular consequence: 5 prime UTR variant.
Genome position (GRCh38, 1-based): chr12:52,520,369, A>G on the plus strand (T>C on the coding strand, the complement: KRT5 is on the minus strand). VCF-style: chr12-52520369-A-G. GRCh37 (hg19) VCF-style: chr12-52914153-A-G.
Identifiers: ClinVar variation 309578 (VCV000309578.6), dbSNP rs3741725, ClinGen allele CA10633198.

ClinVar aggregate classification (germline): Benign. Review status: criteria provided, multiple submitters, no conflicts (2 of 4 stars). 2 submissions from 2 submitters: Benign (2). Last evaluated 2018-01-13.

Conditions:
Epidermolysis bullosa simplex. Also called: Epidermolysis bullosa simplex, Weber-Cockayne type (subtype); Epidermolysis bullosa simplex, Dowling-Meara type (subtype); Epidermolysis bullosa simplex with mottled pigmentation (subtype). Identifiers: Orphanet 304, MedGen C0079298, MONDO:0017610.

Allele frequency attached by ClinVar (database versions not stated): gnomAD 0.01366 and 0.00838; 1000 Genomes Project 30x 0.06355; 1000 Genomes Project 0.07009; TOPMed 0.01588.
gnomAD v4.1: 20,614 of 1,419,572 alleles (1.5%); highest among the groups gnomAD compares: East Asian, 29%; 2,126 homozygotes.

Submissions (2):

Illumina Laboratory Services, Illumina
Classification: Benign for Epidermolysis bullosa simplex. Last evaluated: 2018-01-13. Review status: criteria provided, single submitter. Criteria: ICSL Variant Classification Criteria 13 December 2019. Collection method: clinical testing. Allele origin: germline.
Comment: This variant was observed in the ICSL laboratory as part of a predisposition screen in an ostensibly healthy population. It had not been previously curated by ICSL or reported in the Human Gene Mutation Database (HGMD: prior to June 1st, 2018), and was therefore a candidate for classification through an automated scoring system. Utilizing variant allele frequency, disease prevalence and penetrance estimates, and inheritance mode, an automated score was calculated to assess if this variant is too frequent to cause the disease. Based on the score and internal cut-off values, a variant classified as benign is not then subjected to further curation. The score for this variant resulted in a classification of benign for this disease.

Breakthrough Genomics
Classification: Benign. Review status: criteria provided, single submitter. Criteria: ACMG Guidelines, 2015. Collection method: not provided. Allele origin: germline. Inheritance: Autosomal recessive inheritance. Affected: yes.